The following is an entry in ClinVar:

ClinVar aggregate classification (germline): Uncertain significance (1 of 4 stars; one submission).

Submission:

Labcorp Genetics (formerly Invitae), Labcorp
Classification: Uncertain significance. Last evaluated: 2026-01-25. Review status: criteria provided, single submitter. Criteria: Invitae Variant Classification Sherloc (09022015). Collection method: clinical testing. Allele origin: germline.
Comment: This sequence change replaces valine, which is neutral and non-polar, with methionine, which is neutral and non-polar, at codon 567 of the TJP2 protein (p.Val567Met). This variant is not present in population databases (gnomAD no frequency). This variant has not been reported in the literature in individuals affected with TJP2-related conditions. Invitae Evidence Modeling of protein sequence and biophysical properties (such as structural, functional, and spatial information, amino acid conservation, physicochemical variation, residue mobility, and thermodynamic stability) has been performed for this missense variant. However, the output from this modeling did not meet the statistical confidence thresholds required to predict the impact of this variant on TJP2 protein function. In summary, the available evidence is currently insufficient to determine the role of this variant in disease. Therefore, it has been classified as a Variant of Uncertain Significance.

NM_004817.4(TJP2):c.1699G>A (p.Val567Met)

Gene: TJP2 (tight junction protein 2; plus strand). Cytogenetic location: 9q21.11.
Variant type: single nucleotide variant.
Coding change: c.1699G>A on transcript NM_004817.4 (MANE Select); coding-DNA position 1699, G replaced by A.
Protein change: p.Val567Met; replaces valine 567 with methionine.
Molecular consequence: missense variant.
Genome position (GRCh38, 1-based): chr9:69,234,466, G>A. VCF-style: chr9-69234466-G-A. GRCh37 (hg19) VCF-style: chr9-71849382-G-A.
Other names: c.1711G>A, p.Val571Met (NM_001170415.1, NM_001369874.1, NM_001369875.1); c.1630G>A, p.Val544Met (NM_001170414.2, NM_001369871.1); c.1792G>A, p.Val598Met (NM_001170416.2); c.1624G>A, p.Val542Met (NM_001369870.1); c.1699G>A, p.Val567Met (NM_001369872.1, NM_001369873.1, NM_201629.3); short protein forms V544M, V567M, V571M, V542M, V598M.
Identifiers: ClinVar variation 4768547 (VCV004768547.1).
Genomic context (GRCh38, chr9:69,234,466, plus strand): 5'-TTTTTTTCTTTTTCTGTTTTTCCTTCCTAATAGGTGAACACACAGGATTTCAGAGGATTA[G>A]TGCGGGAGGATGCCGTTCTCTACCTGTTAGAAATCCCTAAAGGTGAAATGGTGACCATTT-3'
Protein context (NP_004808.2, residues 557-577): KVNTQDFRGL[Val567Met]REDAVLYLLE